The following is an entry in ClinVar:

NM_000179.3(MSH6):c.3220A>C (p.Met1074Leu)

Gene: MSH6 (mutS homolog 6; plus strand). Cytogenetic location: 2p16.3.
Variant type: single nucleotide variant.
Coding change: c.3220A>C on transcript NM_000179.3 (MANE Select); coding-DNA position 3220, A replaced by C.
Protein change: p.Met1074Leu; replaces methionine 1074 with leucine.
Molecular consequence: missense variant.
Genome position (GRCh38, 1-based): chr2:47,803,467, A>C. VCF-style: chr2-47803467-A-C. GRCh37 (hg19) VCF-style: chr2-48030606-A-C.
Other names: c.2830A>C, p.Met944Leu (NM_001281492.2); c.2314A>C, p.Met772Leu (NM_001281493.2, NM_001281494.2); short protein forms M1074L, M772L, M944L.
Identifiers: ClinVar variation 1318812 (VCV001318812.7), dbSNP rs730881804, ClinGen allele CA346757976.

ClinVar aggregate classification (germline): Uncertain significance. Review status: criteria provided, multiple submitters, no conflicts (2 of 4 stars). 3 submissions from 3 submitters: Uncertain significance (3). Last evaluated 2025-07-28.

Conditions:
Hereditary nonpolyposis colorectal neoplasms. Identifiers: MedGen C0009405, MeSH D003123.
Hereditary cancer-predisposing syndrome. Also called: Hereditary neoplastic syndrome; Neoplastic Syndromes, Hereditary; Tumor predisposition; Hereditary Cancer Syndrome. Identifiers: Orphanet 140162, MedGen C0027672, MeSH D009386, MONDO:0015356.

Submissions (3):

Ambry Genetics
Classification: Uncertain significance for Hereditary cancer-predisposing syndrome. Last evaluated: 2025-07-28. Review status: criteria provided, single submitter. Criteria: Ambry Variant Classification Scheme 2023. Collection method: clinical testing. Allele origin: germline.
Comment: The p.M1074L variant (also known as c.3220A>C), located in coding exon 5 of the MSH6 gene, results from an A to C substitution at nucleotide position 3220. The methionine at codon 1074 is replaced by leucine, an amino acid with highly similar properties. This amino acid position is well conserved in available vertebrate species. In addition, the in silico prediction for this alteration is inconclusive. Based on the available evidence, the clinical significance of this variant remains unclear.

Labcorp Genetics (formerly Invitae), Labcorp
Classification: Uncertain significance for Hereditary nonpolyposis colorectal neoplasms. Last evaluated: 2021-08-28. Review status: criteria provided, single submitter. Criteria: Invitae Variant Classification Sherloc (09022015). Collection method: clinical testing. Allele origin: germline.
Comment: This sequence change replaces methionine with leucine at codon 1074 of the MSH6 protein (p.Met1074Leu). The methionine residue is moderately conserved and there is a small physicochemical difference between methionine and leucine. This variant is not present in population databases (ExAC no frequency). This variant has not been reported in the literature in individuals affected with MSH6-related conditions. Advanced modeling of protein sequence and biophysical properties (such as structural, functional, and spatial information, amino acid conservation, physicochemical variation, residue mobility, and thermodynamic stability) performed at Invitae indicates that this missense variant is not expected to disrupt MSH6 protein function. In summary, the available evidence is currently insufficient to determine the role of this variant in disease. Therefore, it has been classified as a Variant of Uncertain Significance.

GeneDx
Classification: Uncertain significance. Last evaluated: 2019-07-30. Review status: criteria provided, single submitter. Criteria: GeneDx Variant Classification Process June 2021. Collection method: clinical testing. Allele origin: germline. Affected: yes.
Comment: Not observed in large population cohorts (Lek 2016); In silico analysis, which includes protein predictors and evolutionary conservation, supports that this variant does not alter protein structure/function; Has not been previously published as pathogenic or benign to our knowledge